The following is an entry in ClinVar:

ClinVar aggregate classification (germline): Pathogenic. Review status: criteria provided, multiple submitters, no conflicts (2 of 4 stars). 2 submissions from 2 submitters: Pathogenic (2). Last evaluated 2022-11-12.

Conditions:
Generalized epilepsy with febrile seizures plus, type 7 (GEFSP7). Also called: GEFS+, TYPE 7. Identifiers: Orphanet 36387, MedGen C2751778, MONDO:0013470, OMIM 613863.
Neuropathy, hereditary sensory and autonomic, type 2A (HSAN2A). Also called: WNK1-Related HSAN2 (HSAN2A); HSAN IIA; ACROOSTEOLYSIS, NEUROGENIC; ACROOSTEOLYSIS, GIACCAI TYPE; MORVAN DISEASE; NEUROPATHY, CONGENITAL SENSORY. Identifiers: Orphanet 970, MedGen C2752089, MONDO:0024309, OMIM 201300.
Inborn genetic diseases. Identifiers: MedGen C0950123, MeSH D030342.

Submissions (2):

Labcorp Genetics (formerly Invitae), Labcorp
Classification: Pathogenic for Neuropathy, hereditary sensory and autonomic, type 2A; Generalized epilepsy with febrile seizures plus, type 7. Last evaluated: 2022-11-12. Review status: criteria provided, single submitter. Criteria: Invitae Variant Classification Sherloc (09022015). Collection method: clinical testing. Allele origin: germline.
Comment: For these reasons, this variant has been classified as Pathogenic. This sequence change creates a premature translational stop signal (p.Trp1321*) in the SCN9A gene. It is expected to result in an absent or disrupted protein product. Loss-of-function variants in SCN9A are known to be pathogenic (PMID: 17470132, 19304393). This variant is not present in population databases (gnomAD no frequency). This variant has not been reported in the literature in individuals affected with SCN9A-related conditions. ClinVar contains an entry for this variant (Variation ID: 521640). Algorithms developed to predict the effect of sequence changes on RNA splicing suggest that this variant may create or strengthen a splice site.

Ambry Genetics
Classification: Pathogenic for Inborn genetic diseases. Last evaluated: 2017-03-28. Review status: criteria provided, single submitter. Criteria: Ambry exome assertion method (8-5-2015). Collection method: clinical testing. Allele origin: germline. Affected: yes. Observed: 1 variant allele.

Literature cited by the submitters: PubMed 17470132 (cited by Labcorp Genetics (formerly Invitae), Labcorp); PubMed 19304393 (cited by Labcorp Genetics (formerly Invitae), Labcorp).

NM_001365536.1(SCN9A):c.3995G>A (p.Trp1332Ter)

Genes: SCN9A (sodium voltage-gated channel alpha subunit 9; minus strand), SCN1A-AS1 (SCN1A and SCN9A antisense RNA 1; plus strand). Cytogenetic location: 2q24.3.
Variant type: single nucleotide variant.
Coding change: c.3995G>A on transcript NM_001365536.1 (MANE Select); coding-DNA position 3995, G replaced by A.
Protein change: p.Trp1332Ter; replaces tryptophan 1332 with a stop codon.
Molecular consequence: nonsense.
Genome position (GRCh38, 1-based): chr2:166,228,902, C>T on the plus strand (G>A on the coding strand, the complement: SCN9A is on the minus strand). VCF-style: chr2-166228902-C-T. GRCh37 (hg19) VCF-style: chr2-167085412-C-T.
Other names: c.3962G>A, p.Trp1321Ter (NM_002977.4); short protein forms W1321*, W1332*.
Identifiers: ClinVar variation 521640 (VCV000521640.12), dbSNP rs1553479216, ClinGen allele CA349064370.